The following is an entry in ClinVar:

NM_032043.3(BRIP1):c.2221dup (p.Val741fs)

Gene: BRIP1 (BRCA1 interacting DNA helicase 1; minus strand). Cytogenetic location: 17q23.2.
Variant type: Duplication.
Coding change: c.2221dup on transcript NM_032043.3 (MANE Select); coding-DNA position 2221, one base duplicated (G; older notation c.2221dupG).
Protein change: p.Val741fs; shifts the reading frame from valine 741.
Molecular consequence: frameshift variant.
Genome position (GRCh38, 1-based): chr17:61,744,468, C duplicated on the plus strand (G on the coding strand, the reverse complement: BRIP1 is on the minus strand); the first of 2 consecutive C bases (chr17:61,744,468-61,744,469); duplicating either gives the same sequence. VCF-style (leftmost placement, unchanged base first): chr17-61744467-A-AC. GRCh37 (hg19) VCF-style: chr17-59821828-A-AC.
Other names: c.2221dupG (NM_032043.2); short protein forms V741fs.
Identifiers: ClinVar variation 577479 (VCV000577479.10), dbSNP rs1567781169, ClinGen allele CA891844127.
Genomic context (GRCh38, chr17:61,744,467, plus strand): 5'-CGACCATGAAATAATTTCCAGTTACCTTTCTCTCCTTTGTATTTGATTGCGTCATAGTAC[A>AC]CCTGCAGTAATTCATCAAAATTTGTTTTTTCTCCTCCCTGTGGTTCTACAATGACTGTCT-3'

ClinVar aggregate classification (germline): Pathogenic. Review status: criteria provided, multiple submitters, no conflicts (2 of 4 stars). 3 submissions from 3 submitters: Pathogenic (3). Last evaluated 2025-02-13.

Conditions:
Familial cancer of breast. Also called: hereditary breast carcinoma; BREAST CANCER, FAMILIAL; Hereditary breast cancer. Identifiers: Orphanet 227535, MedGen C0346153, MONDO:0016419, OMIM 114480. Disease mechanism: loss of function.
Fanconi anemia complementation group J. Also called: BRIP1-Related Fanconi Anemia. Identifiers: Orphanet 84, MedGen C1836860, MONDO:0012187, OMIM 609054.
Hereditary cancer-predisposing syndrome. Also called: Hereditary neoplastic syndrome; Tumor predisposition; Hereditary Cancer Syndrome; Neoplastic Syndromes, Hereditary. Identifiers: Orphanet 140162, MedGen C0027672, MeSH D009386, MONDO:0015356.

Submissions (3):

Ambry Genetics
Classification: Pathogenic for Hereditary cancer-predisposing syndrome. Last evaluated: 2025-02-13. Review status: criteria provided, single submitter. Criteria: Ambry Variant Classification Scheme 2023. Collection method: clinical testing. Allele origin: germline.
Comment: The c.2221dupG pathogenic mutation, located in coding exon 14 of the BRIP1 gene, results from a duplication of G at nucleotide position 2221, causing a translational frameshift with a predicted alternate stop codon (p.V741Gfs*4). This variant is considered to be rare based on population cohorts in the Genome Aggregation Database (gnomAD). This alteration is expected to result in loss of function by premature protein truncation or nonsense-mediated mRNA decay. As such, this alteration is interpreted as a disease-causing mutation.

Labcorp Genetics (formerly Invitae), Labcorp
Classification: Pathogenic for Familial cancer of breast; Fanconi anemia complementation group J. Last evaluated: 2023-11-24. Review status: criteria provided, single submitter. Criteria: Invitae Variant Classification Sherloc (09022015). Collection method: clinical testing. Allele origin: germline.
Comment: This sequence change creates a premature translational stop signal (p.Val741Glyfs*4) in the BRIP1 gene. It is expected to result in an absent or disrupted protein product. Loss-of-function variants in BRIP1 are known to be pathogenic (PMID: 16116423, 17033622, 21964575). This variant is not present in population databases (gnomAD no frequency). This variant has not been reported in the literature in individuals affected with BRIP1-related conditions. ClinVar contains an entry for this variant (Variation ID: 577479). Algorithms developed to predict the effect of sequence changes on RNA splicing suggest that this variant may disrupt the consensus splice site. For these reasons, this variant has been classified as Pathogenic.

Myriad Genetics, Inc.
Classification: Pathogenic for Familial cancer of breast. Last evaluated: 2023-06-06. Review status: criteria provided, single submitter. Criteria: Myriad Autosomal Dominant, Autosomal Recessive and X-Linked Classification Criteria (2023). Collection method: clinical testing. Allele origin: unknown.
Comment: This variant is considered pathogenic. This variant creates a frameshift predicted to result in premature protein truncation.

Literature cited by the submitters: PubMed 16116423 (cited by Labcorp Genetics (formerly Invitae), Labcorp); PubMed 17033622 (cited by Labcorp Genetics (formerly Invitae), Labcorp); PubMed 21964575 (cited by Labcorp Genetics (formerly Invitae), Labcorp).